The following is an entry in ClinVar:

NM_001034116.2(EIF2B4):c.782+2T>C

Genes: EIF2B4 (eukaryotic translation initiation factor 2B subunit delta; minus strand), GTF3C2-AS2 (GTF3C2 antisense RNA 2; plus strand). Cytogenetic location: 2p23.3.
Variant type: single nucleotide variant.
Coding change: c.782+2T>C on transcript NM_001034116.2 (MANE Select); the canonical splice donor site of the intron after coding-DNA position 782, T replaced by C.
Molecular consequence: splice donor variant. On other transcripts: non-coding transcript variant (8).
Genome position (GRCh38, 1-based): chr2:27,367,744, A>G on the plus strand (T>C on the coding strand, the complement: EIF2B4 is on the minus strand). VCF-style: chr2-27367744-A-G. GRCh37 (hg19) VCF-style: chr2-27590611-A-G.
Other names: c.689+2T>C (NM_001318967.2); c.779+2T>C (NM_015636.4); c.164+2T>C (NM_001318969.2); c.737+2T>C (NM_001318966.2); c.842+2T>C (NM_172195.4); c.197+2T>C (NM_001318968.2); c.845+2T>C (NM_001318965.2).
Identifiers: ClinVar variation 3692880 (VCV003692880.2).

ClinVar aggregate classification (germline): Likely pathogenic (1 of 4 stars; one submission).

Submission:

Labcorp Genetics (formerly Invitae), Labcorp
Classification: Likely pathogenic. Last evaluated: 2024-03-20. Review status: criteria provided, single submitter. Criteria: Invitae Variant Classification Sherloc (09022015). Collection method: clinical testing. Allele origin: germline.
Comment: This sequence change affects a donor splice site in intron 8 of the EIF2B4 gene. It is expected to disrupt RNA splicing. Variants that disrupt the donor or acceptor splice site typically lead to a loss of protein function (PMID: 16199547), and loss-of-function variants in EIF2B4 are known to be pathogenic (PMID: 11835386, 15776425, 16807905). This variant is not present in population databases (gnomAD no frequency). This variant has not been reported in the literature in individuals affected with EIF2B4-related conditions. Algorithms developed to predict the effect of sequence changes on RNA splicing suggest that this variant may disrupt the consensus splice site. In summary, the currently available evidence indicates that the variant is pathogenic, but additional data are needed to prove that conclusively. Therefore, this variant has been classified as Likely Pathogenic.

Literature cited by the submitters: PubMed 16199547; PubMed 11835386; PubMed 15776425; PubMed 16807905.